The following is an entry in ClinVar:

NM_000218.3(KCNQ1):c.1514+8888C>T

Genes: KCNQ1 (potassium voltage-gated channel subfamily Q member 1; plus strand), KCNQ1OT1 (KCNQ1 opposite strand/antisense transcript 1; minus strand). Cytogenetic location: 11p15.5.
Variant type: single nucleotide variant.
Coding change: c.1514+8888C>T on transcript NM_000218.3 (MANE Select); 8888 bases into the intron after coding-DNA position 1514, C replaced by T.
Molecular consequence: intron variant.
Genome position (GRCh38, 1-based): chr11:2,670,969, C>T. VCF-style: chr11-2670969-C-T. GRCh37 (hg19) VCF-style: chr11-2692199-C-T.
Other names: c.1244+8888C>T (NM_001406837.1); c.1418+8888C>T (NM_001406836.1); c.974+8888C>T (NM_001406838.1); c.1133+8888C>T (NM_181798.2).
Identifiers: ClinVar variation 1879188 (VCV001879188.29), dbSNP rs1025927192, ClinGen allele CA216177821.

ClinVar aggregate classification (germline): Benign (1 of 4 stars; one submission).

Allele frequency attached by ClinVar (database versions not stated): gnomAD exomes 0.00018; TOPMed 0.00019.
gnomAD v4.1: 57 of 398,510 alleles (0.014%); highest among the groups gnomAD compares: Admixed American, 0.026%; no homozygotes.

Submission:

CeGaT Center for Human Genetics Tuebingen
Classification: Benign. Last evaluated: 2023-05-01. Review status: criteria provided, single submitter. Criteria: CeGaT Center For Human Genetics Tuebingen Variant Classification Criteria Version 2. Collection method: clinical testing. Allele origin: germline. Affected: yes. Observed: 2 variant alleles.
Comment: KCNQ1OT1: BS1, BS2